The following is an entry in ClinVar:

ClinVar aggregate classification (germline): Pathogenic/Likely pathogenic. Review status: criteria provided, multiple submitters, no conflicts (2 of 4 stars). 2 submissions from 2 submitters: Pathogenic (1); Likely pathogenic (1). Last evaluated 2024-01-04.

Conditions:
ALG6-congenital disorder of glycosylation 1C (CDG1C). Also called: CDG Ic; Congenital disorder of glycosylation, type Ic; Congenital disorder of glycosylation type 1C; CARBOHYDRATE-DEFICIENT GLYCOPROTEIN SYNDROME, TYPE I, WITH DEFICIENT GLYCOSYLATION OF DOLICHOL-LINKED OLIGOSACCHARIDE; CARBOHYDRATE-DEFICIENT GLYCOPROTEIN SYNDROME, TYPE V. Identifiers: Orphanet 79320, MedGen C2930997, MONDO:0011291, OMIM 603147.

Submissions (2):

Labcorp Genetics (formerly Invitae), Labcorp
Classification: Pathogenic for ALG6-congenital disorder of glycosylation 1C. Last evaluated: 2024-01-04. Review status: criteria provided, single submitter. Criteria: Invitae Variant Classification Sherloc (09022015). Collection method: clinical testing. Allele origin: germline.
Comment: This sequence change affects a donor splice site in intron 14 of the ALG6 gene. While this variant is not anticipated to result in nonsense mediated decay, it likely alters RNA splicing and results in a disrupted protein product. This variant is not present in population databases (gnomAD no frequency). This variant has not been reported in the literature in individuals affected with ALG6-related conditions. Variants that disrupt the consensus splice site are a relatively common cause of aberrant splicing (PMID: 17576681, 9536098). Algorithms developed to predict the effect of sequence changes on RNA splicing suggest that this variant may disrupt the consensus splice site. This variant disrupts a region of the ALG6 protein in which other variant(s) (p.Gln464*) have been determined to be pathogenic (Invitae). This suggests that this is a clinically significant region of the protein, and that variants that disrupt it are likely to be disease-causing. For these reasons, this variant has been classified as Pathogenic.

Baylor Genetics
Classification: Likely pathogenic for ALG6-congenital disorder of glycosylation 1C. Last evaluated: 2023-05-19. Review status: criteria provided, single submitter. Criteria: ACMG Guidelines, 2015. Collection method: clinical testing. Allele origin: unknown.

Literature cited by the submitters: PubMed 17576681 (cited by Labcorp Genetics (formerly Invitae), Labcorp); PubMed 9536098 (cited by Labcorp Genetics (formerly Invitae), Labcorp).

NM_013339.4(ALG6):c.1326+1G>A

Gene: ALG6 (ALG6 alpha-1,3-glucosyltransferase; plus strand). Cytogenetic location: 1p31.3.
Variant type: single nucleotide variant.
Coding change: c.1326+1G>A on transcript NM_013339.4 (MANE Select); the canonical splice donor site of the intron after coding-DNA position 1326, G replaced by A.
Molecular consequence: splice donor variant.
Genome position (GRCh38, 1-based): chr1:63,429,127, G>A. VCF-style: chr1-63429127-G-A. GRCh37 (hg19) VCF-style: chr1-63894798-G-A.
Identifiers: ClinVar variation 2675682 (VCV002675682.4), dbSNP rs1475789647, ClinGen allele CA340640803.
Genomic context (GRCh38, chr1:63,429,127, plus strand): 5'-ATTTCTGTGAGGAAATATCTTCCATGTTTTACATTTCTTTCCAGAATTATACAATATTTG[G>A]TAAGTTCAATTTTTAAGAAATGACACATTTTTCAGCATGTCACTATTTTAAAAAATTATT-3'